The following is an entry in ClinVar:

NM_022051.3(EGLN1):c.608A>G (p.Asn203Ser)

Gene: EGLN1 (egl-9 family hypoxia inducible factor 1; minus strand). Cytogenetic location: 1q42.2.
Variant type: single nucleotide variant.
Coding change: c.608A>G on transcript NM_022051.3 (MANE Select); coding-DNA position 608, A replaced by G.
Protein change: p.Asn203Ser; replaces asparagine 203 with serine.
Molecular consequence: missense variant.
Genome position (GRCh38, 1-based): chr1:231,421,281, T>C on the plus strand (A>G on the coding strand, the complement: EGLN1 is on the minus strand). VCF-style: chr1-231421281-T-C. GRCh37 (hg19) VCF-style: chr1-231557027-T-C.
Other names: c.608A>G, p.Asn203Ser (NM_001377260.1, NM_001377261.1); short protein forms N203S.
Identifiers: ClinVar variation 4826534 (VCV004826534.1).

ClinVar aggregate classification (germline): Uncertain significance (1 of 4 stars; one submission).

gnomAD v4.1: 1 of 1,613,372 alleles (0.000062%); highest among the groups gnomAD compares: Non-Finnish European, 0.000085%; no homozygotes.

Submission:

Ambry Genetics
Classification: Uncertain significance. Last evaluated: 2026-02-23. Review status: criteria provided, single submitter. Criteria: Ambry Variant Classification Scheme 2023. Collection method: clinical testing. Allele origin: germline.
Comment: The p.N203S variant (also known as c.608A>G), located in coding exon 1 of the EGLN1 gene, results from an A to G substitution at nucleotide position 608. The asparagine at codon 203 is replaced by serine, an amino acid with highly similar properties. This amino acid position is conserved. In addition, this alteration is predicted to be tolerated by in silico analysis. Based on the available evidence, the clinical significance of this variant remains unclear.